The following continues an entry in ClinVar:

NM_016038.4(SBDS):c.258+2T>C

Gene: SBDS. ClinVar aggregate classification (germline): Pathogenic/Likely pathogenic. Pathogenic (60); Likely pathogenic (3).

Submissions 56 to 79 of 95:

Centre for Mendelian Genomics, University Medical Centre Ljubljana
Classification: Pathogenic for Agenesis of permanent teeth; Deeply set eye; Microcephaly; Short stature; Splenomegaly. Last evaluated: 2017-01-01. Review status: criteria provided, single submitter. Criteria: ACMG Guidelines, 2015. Collection method: clinical testing. Allele origin: unknown. Affected: yes.

Clinical Genetics DNA and cytogenetics Diagnostics Lab, Erasmus MC, Erasmus Medical Center
Classification: Pathogenic for Shwachman-Diamond syndrome 1. Last evaluated: 2016-05-18. Review status: criteria provided, single submitter. Criteria: ACGS Guidelines, 2013. Collection method: clinical testing. Allele origin: germline. Affected: yes. Study: VKGL Data-share Consensus.

Center for Genomics, Ann and Robert H. Lurie Children's Hospital of Chicago
Classification: Pathogenic for Aplastic anemia; Shwachman-Diamond syndrome 1. Review status: criteria provided, single submitter. Criteria: ACMG Guidelines, 2015. Collection method: clinical testing. Allele origin: germline.
Comment: SBDS NM_016038.3 exon 2 c.258+2T>C: This variant has been reported in the literature in several individuals with Shwachman-Diamond syndrome as homozygous or compound heterozygous (most often found in trans with c.183_184delinsCT) and is one of the most common pathogenic variants for this gene (Boocock 2003 PMID:12496757, Nakashima 2004 PMID:14749921, Austin 2005 PMID:15860664, Andolina 2013 PMID:22935661, Myers 2014 PMID:20301722). This variant is present in 0.3% (468/126574) of European alleles in the Genome Aggregation Database. This variant is present in ClinVar, with several labs classifying this variant as pathogenic (Variation ID:3196). Evolutionary conservation and computational predictive tools for this variant are limited or unavailable. In addition, functional studies have shown a deleterious effect of this variant (Orelio 2011 PMID:21695142). Of note, this variant alters the consensus splice sequence (+/- 1,2) which is predicted to result in an absent or abnormal protein. Loss of function has been reported as a disease mechanism for this gene and disease (Woloszynek 2004 PMID:15284109). In summary, this variant is classified as pathogenic.

Clinical Genetics Service, Universitary Hospital 12 de Octubre
Classification: Pathogenic for Shwachman-Diamond syndrome 1. Review status: criteria provided, single submitter. Criteria: ACMG Guidelines, 2015. Collection method: clinical testing. Allele origin: germline. Affected: yes.

Juno Genomics, Hangzhou Juno Genomics, Inc
Classification: Pathogenic for Aplastic anemia; Shwachman-Diamond syndrome 1. Review status: criteria provided, single submitter. Criteria: ACMG Guidelines, 2015. Collection method: clinical testing. Allele origin: germline.
Comment: Null variant in a gene where loss of function (LOF) is a known mechanism of disease.;For recessive disorders, detected in trans with a pathogenic variant.;Patient's phenotype or family history is highly specific for a disease with a single genetic etiology.

Kariminejad - Najmabadi Pathology & Genetics Center
Classification: Pathogenic for Shwachman-Diamond syndrome 1. Review status: criteria provided, single submitter. Criteria: ACMG Guidelines, 2015. Collection method: clinical testing. Allele origin: germline. Affected: no.

Lifecell International Pvt. Ltd
Classification: Pathogenic for Shwachman-Diamond syndrome 1. Review status: criteria provided, single submitter. Criteria: ACMG Guidelines, 2015. Collection method: clinical testing. Allele origin: germline. Inheritance: Autosomal recessive inheritance. Affected: yes. Observed: 1 compound heterozygote.
Comment: A Heterozygous Splice site donor variant c.258+2T>C in Exon 2 of the SBDS gene that results in the amino acid substitution was identified. The observed variant has a minor allele frequency of 0.00388/0.00386 in gnomAD exomes and genomes, respectively. The severity of the impact of this variant on the protein is high, based on the effect of the protein and REVEL score . Rare Exome Variant Ensemble Learner (REVEL) is an ensembl method for predicting the pathogenicity of missense variants based on a combination of scores from 13 individual tools: MutPred, FATHMM v2.3, VEST 3.0, PolyPhen-2, SIFT, PROVEAN, MutationAssessor, MutationTaster, LRT, GERP++, SiPhy, phyloP, and phastCons. The REVEL score for an individual missense variant can range from 0 to 1, with higher scores reflecting greater likelihood that the variant is disease-causing. ClinVar has also classified this variant as Pathogenic/Likely Pathogenic [Variant ID: 3196]. This varaint is reported for Shwachman-Diamond syndrome and functional studies suggest that the c.258+2 T>C variant affects the protein's cellular localization and motility (Orelio C et . al., 2011). For these reasons, this variant has been classified as Pathogenic.

Suma Genomics
Classification: Pathogenic for Shwachman-Diamond syndrome 1. Review status: criteria provided, single submitter. Criteria: ACMG Guidelines, 2015. Collection method: clinical testing. Allele origin: germline. Inheritance: Autosomal recessive inheritance. Affected: yes. Observed: 1 compound heterozygote.

Department of Reproductive Genetics, International Peace Maternity and Child Health Hospital, Shanghai Jiao Tong University School of Medicine
Classification: Pathogenic for Shwachman-Diamond syndrome. Last evaluated: 2025-05-01. Review status: no assertion criteria provided. Collection method: clinical testing. Allele origin: inherited. Affected: yes. Not counted in ClinVar's aggregate classification.
Comment: The c.258+2T>C variant in the SBDS gene is a canonical splice donor site change located in intron 2.This variant is one of the most common disease-associated alleles in SDS and has been reported in numerous unrelated affected individuals.

Reproductive Health Research and Development, BGI Genomics
Classification: Pathogenic for Shwachman-Diamond syndrome. Last evaluated: 2020-01-06. Review status: no assertion criteria provided. Collection method: curation. Allele origin: germline. Not counted in ClinVar's aggregate classification.
Comment: NG_007277.1(NM_016038.2):c.258+2T>C in the SBDS gene has an allele frequency of 0.009 in European (Finnish) subpopulation in the gnomAD database. Andolina JR et al. identified compound heterozygous mutations c183_184 TA>CT and c.258+2 T>C in two patients with Shwachman-Diamond syndrome (PMID: 22935661). Taken together, we interprete this variant as Pathogenic/Likely pathogenic. ACMG/AMP Criteria applied: PVS1; PM3; PP4.

Donald Williams Parsons Laboratory, Baylor College of Medicine
Classification: Pathogenic for Shwachman-Diamond syndrome 1. Last evaluated: 2015-09-30. Review status: no assertion criteria provided. Collection method: research. Allele origin: germline. Inheritance: Autosomal recessive inheritance. Observed: 1 variant allele, 1 heterozygote. Study: CSER-BASIC3. Not counted in ClinVar's aggregate classification.
Comment: This variant has been previously reported as disease-causing. It would be pathogenic in a recessive state; heterozygotes would be carriers for the condition.

OMIM
Classification: Pathogenic for SHWACHMAN-DIAMOND SYNDROME 1. Last evaluated: 2007-08-15. Review status: no assertion criteria provided. Collection method: literature only. Allele origin: germline. Not counted in ClinVar's aggregate classification.

OMIM
Classification: risk factor for APLASTIC ANEMIA, SUSCEPTIBILITY TO. Last evaluated: 2007-08-15. Review status: no assertion criteria provided. Collection method: literature only. Allele origin: germline. Not counted in ClinVar's aggregate classification.

Diagnostic Laboratory, Department of Genetics, University Medical Center Groningen
Classification: Pathogenic. Review status: no assertion criteria provided. Collection method: clinical testing. Allele origin: germline. Affected: yes. Study: VKGL Data-share Consensus. Not counted in ClinVar's aggregate classification.

Dr. Peter K. Rogan Lab, Western University
No classification provided (evidence only). Condition: Malignant tumor of urinary bladder. Review status: no classification provided. Collection method: in vitro. Allele origin: not applicable. Functional consequence: skipped exon. Not counted in ClinVar's aggregate classification.

Dr. Peter K. Rogan Lab, Western University
No classification provided (evidence only). Condition: Malignant tumor of urinary bladder. Review status: no classification provided. Collection method: in vitro. Allele origin: not applicable. Functional consequence: skipped exon, retained intron. Not counted in ClinVar's aggregate classification.

Dr. Peter K. Rogan Lab, Western University
No classification provided (evidence only). Condition: Malignant tumor of urinary bladder. Review status: no classification provided. Collection method: in vitro. Allele origin: not applicable. Functional consequence: skipped exon, retained intron. Not counted in ClinVar's aggregate classification.

Dr. Peter K. Rogan Lab, Western University
No classification provided (evidence only). Condition: Acute myeloid leukemia. Review status: no classification provided. Collection method: in vitro. Allele origin: not applicable. Functional consequence: retained intron. Not counted in ClinVar's aggregate classification.

Dr. Peter K. Rogan Lab, Western University
No classification provided (evidence only). Condition: Colon adenocarcinoma. Review status: no classification provided. Collection method: in vitro. Allele origin: not applicable. Functional consequence: skipped exon, retained intron. Not counted in ClinVar's aggregate classification.

Dr. Peter K. Rogan Lab, Western University
No classification provided (evidence only). Condition: Thyroid cancer, nonmedullary, 1. Review status: no classification provided. Collection method: in vitro. Allele origin: not applicable. Functional consequence: retained intron. Not counted in ClinVar's aggregate classification.

Dr. Peter K. Rogan Lab, Western University
No classification provided (evidence only). Condition: Thyroid cancer, nonmedullary, 1. Review status: no classification provided. Collection method: in vitro. Allele origin: not applicable. Functional consequence: skipped exon, retained intron. Not counted in ClinVar's aggregate classification.

Dr. Peter K. Rogan Lab, Western University
No classification provided (evidence only). Condition: Thyroid cancer, nonmedullary, 1. Review status: no classification provided. Collection method: in vitro. Allele origin: not applicable. Functional consequence: skipped exon, retained intron. Not counted in ClinVar's aggregate classification.

Dr. Peter K. Rogan Lab, Western University
No classification provided (evidence only). Condition: Thyroid cancer, nonmedullary, 1. Review status: no classification provided. Collection method: in vitro. Allele origin: not applicable. Functional consequence: skipped exon, retained intron. Not counted in ClinVar's aggregate classification.

Dr. Peter K. Rogan Lab, Western University
No classification provided (evidence only). Condition: Uterine corpus endometrial carcinoma. Review status: no classification provided. Collection method: in vitro. Allele origin: not applicable. Functional consequence: skipped exon, retained intron. Not counted in ClinVar's aggregate classification.